The following is an entry in ClinVar:

NM_017780.4(CHD7):c.3158G>A (p.Arg1053His)

Gene: CHD7 (chromodomain helicase DNA binding protein 7; plus strand). Cytogenetic location: 8q12.2.
Variant type: single nucleotide variant.
Coding change: c.3158G>A on transcript NM_017780.4 (MANE Select); coding-DNA position 3158, G replaced by A.
Protein change: p.Arg1053His; replaces arginine 1053 with histidine.
Molecular consequence: missense variant. On other transcripts: intron variant (1).
Genome position (GRCh38, 1-based): chr8:60,822,703, G>A. VCF-style: chr8-60822703-G-A. GRCh37 (hg19) VCF-style: chr8-61735262-G-A.
Other names: c.1717-39526G>A (NM_001316690.1); short protein forms R1053H.
Identifiers: ClinVar variation 1806723 (VCV001806723.9), dbSNP rs2487812482, ClinGen allele CA371310330.

ClinVar aggregate classification (germline): Uncertain significance. Review status: criteria provided, multiple submitters, no conflicts (2 of 4 stars). 6 submissions from 5 submitters: Uncertain significance (6). Last evaluated 2025-12-17.

Conditions:
Hypogonadotropic hypogonadism. Also called: Low gonadotropins (secondary hypogonadism); Hypogonadotropic hypogonadism with or without anosmia; Hypogonadotrophic hypogonadism; Isolated hypogonadotropic hypogonadism. Identifiers: Orphanet 432, MedGen C0271623, MONDO:0018555, HP:0000044.
VATER association. Also called: VACTERL/vater association; Vacterl association. Identifiers: Orphanet 887, MedGen C4225671, MONDO:0008642, OMIM 192350.
CHARGE syndrome (CHARGE). Also called: Hittner Hirsch Kreh syndrome; CHARGE ASSOCIATION--COLOBOMA, HEART ANOMALY, CHOANAL ATRESIA, RETARDATION, GENITAL AND EAR ANOMALIES; Coloboma, heart anomaly, choanal atresia, retardation, genital and ear anomalies; CHARGE association; Hall-Hittner syndrome. Identifiers: Orphanet 138, MedGen C0265354, MONDO:0008965.

Allele frequency attached by ClinVar (database versions not stated): gnomAD exomes below 0.00001.
gnomAD v4.1: 1 of 1,613,514 alleles (0.000062%); highest among the groups gnomAD compares: Non-Finnish European, 0.000085%; no homozygotes.

Submissions (6):

GeneDx
Classification: Uncertain significance. Last evaluated: 2025-12-17. Review status: criteria provided, single submitter. Criteria: GeneDx Variant Classification Process June 2021. Collection method: clinical testing. Allele origin: germline. Affected: yes.
Comment: Not observed at significant frequency in large population cohorts (gnomAD); In silico analysis supports that this missense variant has a deleterious effect on protein structure/function; Has not been previously published as pathogenic or benign to our knowledge

Cambridge Genomics Laboratory, East Genomic Laboratory Hub, NHS Genomic Medicine Service
Classification: Uncertain significance for Hypogonadotropic hypogonadism. Last evaluated: 2024-11-25. Review status: criteria provided, single submitter. Criteria: ACGS Best Practice Guidelines for Variant Classification in Rare Disease 2020. Collection method: clinical testing. Allele origin: germline. Affected: yes.
Comment: PM1_Supporting,PM2,PP3

Labcorp Genetics (formerly Invitae), Labcorp
Classification: Uncertain significance for CHARGE syndrome. Last evaluated: 2024-09-18. Review status: criteria provided, single submitter. Criteria: Invitae Variant Classification Sherloc (09022015). Collection method: clinical testing. Allele origin: germline.
Comment: This sequence change replaces arginine, which is basic and polar, with histidine, which is basic and polar, at codon 1053 of the CHD7 protein (p.Arg1053His). This variant is not present in population databases (gnomAD no frequency). This variant has not been reported in the literature in individuals affected with CHD7-related conditions. ClinVar contains an entry for this variant (Variation ID: 1806723). Invitae Evidence Modeling of protein sequence and biophysical properties (such as structural, functional, and spatial information, amino acid conservation, physicochemical variation, residue mobility, and thermodynamic stability) indicates that this missense variant is expected to disrupt CHD7 protein function with a positive predictive value of 95%. In summary, the available evidence is currently insufficient to determine the role of this variant in disease. Therefore, it has been classified as a Variant of Uncertain Significance.

Blueprint Genetics
Classification: Uncertain significance. Last evaluated: 2024-02-08. Review status: criteria provided, single submitter. Criteria: ACMG Guidelines, 2015. Collection method: clinical testing. Allele origin: germline.

Clinical Genetics Laboratory, Skane University Hospital Lund
Classification: Uncertain significance. Last evaluated: 2022-11-16. Review status: criteria provided, single submitter. Criteria: ACMG Guidelines, 2015. Collection method: clinical testing. Allele origin: germline. Affected: yes.

Cambridge Genomics Laboratory, East Genomic Laboratory Hub, NHS Genomic Medicine Service
Classification: Uncertain significance for VATER association. Last evaluated: 2019-05-28. Review status: criteria provided, single submitter. Criteria: ACGS Best Practice Guidelines for Variant Classification in Rare Disease 2020. Collection method: clinical testing. Allele origin: germline. Affected: yes. Observed: 1 variant allele.